The following is an entry in ClinVar:

ClinVar aggregate classification (germline): Uncertain significance (1 of 4 stars; one submission).

Conditions:
Anauxetic dysplasia. Identifiers: Orphanet 93347, MedGen C1846796, MONDO:0011773.

Submission:

Labcorp Genetics (formerly Invitae), Labcorp
Classification: Uncertain significance for Anauxetic dysplasia. Last evaluated: 2024-10-24. Review status: criteria provided, single submitter. Criteria: Invitae Variant Classification Sherloc (09022015). Collection method: clinical testing. Allele origin: germline.
Comment: This variant occurs in the RMRP gene, which encodes an RNA molecule that does not result in a protein product. This variant is not present in population databases (gnomAD no frequency). This variant has not been reported in the literature in individuals affected with RMRP-related conditions. ClinVar contains an entry for this variant (Variation ID: 2113489). Experimental studies and prediction algorithms are not available or were not evaluated, and the functional significance of this variant is currently unknown. In summary, the available evidence is currently insufficient to determine the role of this variant in disease. Therefore, it has been classified as a Variant of Uncertain Significance.

NC_000009.12:g.35657908_35657909insA

Gene: RMRP (RNA component of mitochondrial RNA processing endoribonuclease; minus strand). Cytogenetic location: 9p13.3.
Variant type: Insertion.
Genome position: GRCh38 VCF-style: chr9-35657908-C-CA. GRCh37 (hg19) VCF-style: chr9-35657905-C-CA.
Identifiers: ClinVar variation 2113489 (VCV002113489.4), dbSNP rs1563907170, ClinGen allele CA2580080448.